The following is an entry in ClinVar:

NM_003680.4(YARS1):c.424C>T (p.Gln142Ter)

Gene: YARS1 (tyrosyl-tRNA synthetase 1; minus strand). Cytogenetic location: 1p35.1.
Variant type: single nucleotide variant.
Coding change: c.424C>T on transcript NM_003680.4 (MANE Select); coding-DNA position 424, C replaced by T.
Protein change: p.Gln142Ter; replaces glutamine 142 with a stop codon.
Molecular consequence: nonsense.
Genome position (GRCh38, 1-based): chr1:32,806,568, G>A on the plus strand (C>T on the coding strand, the complement: YARS1 is on the minus strand). VCF-style: chr1-32806568-G-A. GRCh37 (hg19) VCF-style: chr1-33272169-G-A.
Other names: short protein forms Q142*.
Identifiers: ClinVar variation 2758608 (VCV002758608.3), dbSNP rs1470898248, ClinGen allele CA339686885.

ClinVar aggregate classification (germline): Uncertain significance (1 of 4 stars; one submission).

Conditions:
Charcot-Marie-Tooth disease dominant intermediate C (CMTDIC). Also called: CHARCOT-MARIE-TOOTH NEUROPATHY, DOMINANT INTERMEDIATE C. Identifiers: Orphanet 100045, MedGen C1842237, MONDO:0012012, OMIM 608323.

Submission:

Labcorp Genetics (formerly Invitae), Labcorp
Classification: Uncertain significance for Charcot-Marie-Tooth disease dominant intermediate C. Last evaluated: 2023-11-11. Review status: criteria provided, single submitter. Criteria: Invitae Variant Classification Sherloc (09022015). Collection method: clinical testing. Allele origin: germline.
Comment: This sequence change creates a premature translational stop signal (p.Gln142*) in the YARS gene. It is expected to result in an absent or disrupted protein product. However, the current clinical and genetic evidence is not sufficient to establish whether loss-of-function variants in YARS cause disease. This variant is not present in population databases (gnomAD no frequency). This variant has not been reported in the literature in individuals affected with YARS-related conditions. In summary, the available evidence is currently insufficient to determine the role of this variant in disease. Therefore, it has been classified as a Variant of Uncertain Significance.